The following is an entry in ClinVar:

ClinVar aggregate classification (germline): Pathogenic/Likely pathogenic. Review status: criteria provided, multiple submitters, no conflicts (2 of 4 stars). 8 submissions from 8 submitters: Pathogenic (5); Likely pathogenic (2). 1 of the submissions does not count toward it. Last evaluated 2025-09-02.

Conditions:
Pfeiffer syndrome (ACS5). Also called: ACS V. Identifiers: Orphanet 710, MedGen C0220658, MONDO:0007043, OMIM 101600.
Hypogonadotropic hypogonadism 2 with or without anosmia (HH2). Also called: FGFR1-Related GnRH Deficiency (Kallmann Syndrome 2); HYPOGONADOTROPIC HYPOGONADISM 2 WITH OR WITHOUT ANOSMIA, SUSCEPTIBILITY TO; HYPOGONADOTROPIC HYPOGONADISM 2 WITHOUT ANOSMIA, SUSCEPTIBILITY TO; HYPOGONADOTROPIC HYPOGONADISM 2 WITHOUT ANOSMIA. Identifiers: Orphanet 478, MedGen C1563720, MONDO:0007844, OMIM 147950. Disease mechanism: loss of function.
FGFR1-related disorder. Also called: FGFR1-related condition; FGFR1-related disorders. Identifiers: MedGen CN380097.
Hypogonadotropic hypogonadism 7 with or without anosmia (HH7). Also called: HYPOGONADOTROPIC HYPOGONADISM 7 WITHOUT ANOSMIA; GNRHR-Related GnRH Deficiency. Identifiers: Orphanet 432, MedGen C0342384, MONDO:0007794, OMIM 146110.

Submissions (8):

Labcorp Genetics (formerly Invitae), Labcorp
Classification: Pathogenic for Pfeiffer syndrome; Hypogonadotropic hypogonadism 2 with or without anosmia. Last evaluated: 2025-09-02. Review status: criteria provided, single submitter. Criteria: Invitae Variant Classification Sherloc (09022015). Collection method: clinical testing. Allele origin: germline.
Comment: This sequence change replaces glycine, which is neutral and non-polar, with arginine, which is basic and polar, at codon 687 of the FGFR1 protein (p.Gly687Arg). This variant is not present in population databases (gnomAD no frequency). This missense change has been observed in individuals with autosomal dominant Kallmann syndrome and/or hypogonadotropic hypogonadism and/or gonadotropin releasing hormone deficiency (PMID: 15845591, 23643382, 26207952, 27502037, 30098700, 33548149). This variant is also known as p.Gly685Arg. ClinVar contains an entry for this variant (Variation ID: 180160). Invitae Evidence Modeling of protein sequence and biophysical properties (such as structural, functional, and spatial information, amino acid conservation, physicochemical variation, residue mobility, and thermodynamic stability) indicates that this missense variant is expected to disrupt FGFR1 protein function with a positive predictive value of 80%. Experimental studies have shown that this missense change affects FGFR1 function (PMID: 32666525). For these reasons, this variant has been classified as Pathogenic.

CeGaT Center for Human Genetics Tuebingen
Classification: Likely pathogenic. Last evaluated: 2024-04-01. Review status: criteria provided, single submitter. Criteria: CeGaT Center For Human Genetics Tuebingen Variant Classification Criteria Version 2. Collection method: clinical testing. Allele origin: germline. Affected: yes. Observed: 1 variant allele.
Comment: FGFR1: PM1, PM2, PS4:Moderate, PP3, PP4, PS3:Supporting

PreventionGenetics, part of Exact Sciences
Classification: Pathogenic for FGFR1-related condition. Last evaluated: 2023-08-09. Review status: criteria provided, single submitter. Criteria: ACMG Guidelines, 2015. Collection method: clinical testing. Allele origin: germline.
Comment: The FGFR1 c.2059G>A variant is predicted to result in the amino acid substitution p.Gly687Arg. This variant (also described as p.Gly685Arg) has been reported in multiple unrelated individuals with hypogonadotropic hypogonadism or Kallmann syndrome and segregated with disease in several families (Sato. 2005. PubMed ID: 15845591; Table S3, Miraoui. 2013. PubMed ID: 23643382; Choi. 2015. PubMed ID: 26207952; Quaynor. 2016. PubMed ID: 27502037; Table S3, Zhou. 2018. PubMed ID: 30098700; Wang. 2020. PubMed ID: 32666525; Nie. 2021. PubMed ID: 33548149). This variant impaired tyrosine kinase activity in an in vitro functional assay (Wang. 2020. PubMed ID: 32666525). This variant has not been reported in a large population database, indicating this variant is rare. In ClinVar this variant is listed as likely pathogenic and pathogenic. This variant is interpreted as pathogenic.

Reproductive Endocrine Unit, Massachusetts General Hospital
Classification: Pathogenic for Hypogonadotropic hypogonadism 2 with or without anosmia. Last evaluated: 2023-05-04. Review status: criteria provided, single submitter. Criteria: ACMG Guidelines, 2015. Collection method: research. Allele origin: inherited, unknown. Affected: yes. Observed: 3 variant alleles.
Comment: The variant has been classified as P3b based on the variant meeting the following ACMG Criteria: PM2,PP3,PM1,PP1,PP2,PP4.

GeneDx
Classification: Pathogenic. Last evaluated: 2022-07-05. Review status: criteria provided, single submitter. Criteria: GeneDx Variant Classification Process June 2021. Collection method: clinical testing. Allele origin: germline. Affected: yes.
Comment: Published functional studies demonstrate this variant damages normal FGFR1 function (Wang et al., 2020); Not observed in large population cohorts (gnomAD); In silico analysis supports that this missense variant has a deleterious effect on protein structure/function; This variant is associated with the following publications: (PMID: 31067328, 32666525, 23329143, 26207952, 23643382, 25636053, 30098700, 33548149, 25226293, 30430143, 27502037, 15845591)

Blueprint Genetics
Classification: Pathogenic for FGFR1-related disorders. Last evaluated: 2020-11-23. Review status: criteria provided, single submitter. Criteria: ACMG Guidelines, 2015. Collection method: clinical testing. Allele origin: germline. Affected: yes. Observed: 1 variant allele.

Chan Lab, Boston Children's Hospital
Classification: Likely pathogenic for Hypogonadotrophic hypogonadism. Last evaluated: 2014-11-01. Review status: criteria provided, single submitter. Criteria: Submitter's publication. Collection method: case-control. Allele origin: unknown. Affected: yes. Observed: 1 variant allele.

Department of Urology, Tongji Hospital, Tongji Medical College, Huazhong University of Science and Technology
Classification: Pathogenic for Hypogonadotropic hypogonadism 2 with or without anosmia. Review status: no assertion criteria provided. Collection method: research. Allele origin: germline. Affected: yes. Not counted in ClinVar's aggregate classification.

Literature cited by the submitters: PubMed 15845591 (cited by Labcorp Genetics (formerly Invitae), Labcorp); PubMed 23643382 (cited by Labcorp Genetics (formerly Invitae), Labcorp); PubMed 26207952 (cited by Labcorp Genetics (formerly Invitae), Labcorp); PubMed 27502037 (cited by Labcorp Genetics (formerly Invitae), Labcorp); PubMed 30098700 (cited by Labcorp Genetics (formerly Invitae), Labcorp); PubMed 33548149 (cited by Labcorp Genetics (formerly Invitae), Labcorp); PubMed 32666525 (cited by Labcorp Genetics (formerly Invitae), Labcorp).

NM_023110.3(FGFR1):c.2059G>A (p.Gly687Arg)

Gene: FGFR1 (fibroblast growth factor receptor 1; minus strand). Cytogenetic location: 8p11.23.
Variant type: single nucleotide variant.
Coding change: c.2059G>A on transcript NM_023110.3 (MANE Select); coding-DNA position 2059, G replaced by A.
Protein change: p.Gly687Arg; replaces glycine 687 with arginine.
Molecular consequence: missense variant.
Genome position (GRCh38, 1-based): chr8:38,414,279, C>T on the plus strand (G>A on the coding strand, the complement: FGFR1 is on the minus strand). VCF-style: chr8-38414279-C-T. GRCh37 (hg19) VCF-style: chr8-38271797-C-T.
Other names: c.2053G>A, p.Gly685Arg (NM_015850.4, NM_001174063.2, NM_001174065.2 and 1 more transcripts); c.1792G>A, p.Gly598Arg (NM_023105.3, NM_001174066.2); c.1786G>A, p.Gly596Arg (NM_023106.3, NM_001354370.2); c.2029G>A, p.Gly677Arg (NM_001174064.2); c.2152G>A, p.Gly718Arg (NM_001174067.2); c.1780G>A, p.Gly594Arg (NM_001354368.2); c.2047G>A, p.Gly683Arg (NM_001354369.2); short protein forms G687R, G598R, G683R, G596R, G677R, G594R, G685R, G718R.
Identifiers: ClinVar variation 180160 (VCV000180160.34), dbSNP rs727505376, ClinGen allele CA185894.